The following is an entry in ClinVar:

ClinVar aggregate classification (germline): Pathogenic (1 of 4 stars; one submission).

Conditions:
VPS13A-related neurodegenerative disease. Also called: ACANTHOCYTOSIS WITH NEUROLOGIC DISORDER; LEVINE-CRITCHLEY SYNDROME; Choreoacanthocytosis; Chorea-acanthocytosis; Choreaacanthocytosis; VPS13A Disease. Identifiers: Orphanet 2388, MedGen C0393576, MONDO:0008695, OMIM 200150.

Submission:

Myriad Genetics, Inc.
Classification: Pathogenic for VPS13A-related neurodegenerative disease. Last evaluated: 2025-07-31. Review status: criteria provided, single submitter. Criteria: Myriad Autosomal Dominant, Autosomal Recessive and X-Linked Classification Criteria (2023). Collection method: clinical testing. Allele origin: unknown.
Comment: NM_033305.2(VPS13A):c.5097dupT(L1700Sfs*2) is expected to be pathogenic in the context of VPS13A disease. This variant is predicted to lead to an abnormal or absent protein product due to the creation of a premature termination codon in VPS13A, a gene where loss-of-function variants are known to be pathogenic. Please note: this variant was assessed in the context of healthy population screening.

NM_033305.3(VPS13A):c.5097dup (p.Leu1700fs)

Gene: VPS13A (vacuolar protein sorting 13 homolog A; plus strand). Cytogenetic location: 9q21.2.
Variant type: Duplication.
Coding change: c.5097dup on transcript NM_033305.3 (MANE Select); coding-DNA position 5097, one base duplicated (T; older notation c.5097dupT).
Protein change: p.Leu1700fs; shifts the reading frame from leucine 1700.
Molecular consequence: frameshift variant.
Genome position (GRCh38, 1-based): chr9:77,318,375, T duplicated; the last of 3 consecutive T bases (chr9:77,318,373-77,318,375); duplicating any one gives the same sequence. VCF-style (leftmost placement, unchanged base first): chr9-77318372-G-GT. GRCh37 (hg19) VCF-style: chr9-79933288-G-GT.
Other names: c.4980dup, p.Leu1661fs (NM_001018037.2); c.5097dup, p.Leu1700fs (NM_001018038.3, NM_015186.4); short protein forms L1661fs, L1700fs.
Identifiers: ClinVar variation 5014798 (VCV005014798.1).